The following is an entry in ClinVar:

NM_001953.5(TYMP):c.128A>C (p.Lys43Thr)

Gene: TYMP (thymidine phosphorylase; minus strand). Cytogenetic location: 22q13.33.
Variant type: single nucleotide variant.
Coding change: c.128A>C on transcript NM_001953.5 (MANE Select); coding-DNA position 128, A replaced by C.
Protein change: p.Lys43Thr; replaces lysine 43 with threonine.
Molecular consequence: missense variant.
Genome position (GRCh38, 1-based): chr22:50,529,582, T>G on the plus strand (A>C on the coding strand, the complement: TYMP is on the minus strand). VCF-style: chr22-50529582-T-G. GRCh37 (hg19) VCF-style: chr22-50968011-T-G.
Other names: Lys>Thr; c.128A>C, p.Lys43Thr (NM_001113755.3, NM_001113756.3, NM_001257988.1 and 3 more transcripts); short protein forms K43T.
Identifiers: ClinVar variation 223015 (VCV000223015.7), dbSNP rs752137335, ClinGen allele CA10321878.
Genomic context (GRCh38, chr22:50,529,582, plus strand): 5'-TTCACCACAGCGGCCACGAAGCCCCTGATGTCCGCTTCGCTCAGGCGGCCTCCGTCTCGC[T>G]TCATGCGGATCAGCTCCGGGAGCTGCTTGGGCTCTGGCGAAGGGTCGGGAAGTCCCTGGC-3'
Protein context (NP_001944.1, residues 33-53): PKQLPELIRM[Lys43Thr]RDGGRLSEAD

ClinVar aggregate classification (germline): Conflicting classifications of pathogenicity. Review status: criteria provided, conflicting classifications (1 of 4 stars). 4 submissions from 4 submitters: Likely pathogenic (1); Uncertain significance (2). 1 of the submissions does not count toward it. Last evaluated 2026-03-19.

Conditions:
Mitochondrial DNA depletion syndrome 1. Also called: Mitochondrial Neurogastrointestinal Encephalopathy Disease; MITOCHONDRIAL NEUROGASTROINTESTINAL ENCEPHALOPATHY SYNDROME, TYMP-RELATED; MNGIE, TYMP-RELATED; Mitochondrial DNA Depletion Syndrome, MNGIE Form; Mitochondrial DNA depletion syndrome 1 (MNGIE type); Mitochondrial neurogastrointestinal encephalomyopathy syndrome. Identifiers: Orphanet 298, MedGen C4551995, MONDO:0011283, OMIM 603041.

Allele frequency attached by ClinVar (database versions not stated): gnomAD exomes 0.00001; ExAC 0.00002; gnomAD 0.00003 and 0.00004; TOPMed 0.00006.
gnomAD v4.1: 9 of 1,613,050 alleles (0.00056%); highest among the groups gnomAD compares: African/African-American, 0.0093%; no homozygotes.

Submissions (4):

Myriad Genetics, Inc.
Classification: Uncertain significance for Mitochondrial DNA depletion syndrome 1. Last evaluated: 2026-03-19. Review status: criteria provided, single submitter. Criteria: Myriad Autosomal Dominant, Autosomal Recessive and X-Linked Classification Criteria (2023). Collection method: clinical testing. Allele origin: unknown.
Comment: NM_001953.4(TYMP):c.128A>C(K43T) is a missense variant classified as a variant of uncertain significance in the context of mitochondrial neurogastrointestinal encephalopathy disease. K43T has been observed in a case with relevant disease (PMID: 14720311). Relevant functional assessments of this variant are not available in the literature. K43T has been observed in referenced population frequency databases. In summary, there is insufficient evidence to classify NM_001953.4(TYMP):c.128A>C(K43T) as pathogenic or benign. Please note: this variant was assessed in the context of healthy population screening.

Labcorp Genetics (formerly Invitae), Labcorp
Classification: Likely pathogenic. Last evaluated: 2023-10-13. Review status: criteria provided, single submitter. Criteria: Invitae Variant Classification Sherloc (09022015). Collection method: clinical testing. Allele origin: germline.
Comment: This sequence change replaces lysine, which is basic and polar, with threonine, which is neutral and polar, at codon 43 of the TYMP protein (p.Lys43Thr). This variant is present in population databases (rs752137335, gnomAD 0.02%). This missense change has been observed in individual(s) with TYMP-related conditions (PMID: 14720311). ClinVar contains an entry for this variant (Variation ID: 223015). Advanced modeling of protein sequence and biophysical properties (such as structural, functional, and spatial information, amino acid conservation, physicochemical variation, residue mobility, and thermodynamic stability) has been performed at Invitae for this missense variant, however the output from this modeling did not meet the statistical confidence thresholds required to predict the impact of this variant on TYMP protein function. In summary, the currently available evidence indicates that the variant is pathogenic, but additional data are needed to prove that conclusively. Therefore, this variant has been classified as Likely Pathogenic.

Women's Health and Genetics/Laboratory Corporation of America, LabCorp
Classification: Uncertain significance. Last evaluated: 2023-05-30. Review status: criteria provided, single submitter. Criteria: LabCorp Variant Classification Summary - May 2015. Collection method: clinical testing. Allele origin: germline.
Comment: Variant summary: TYMP c.128A>C (p.Lys43Thr) results in a non-conservative amino acid change located in the N-terminal domain (IPR017459) of the encoded protein sequence. Five of five in-silico tools predict a damaging effect of the variant on protein function. The variant allele was found at a frequency of 1.2e-05 in 248896 control chromosomes (gnomAD). The available data on variant occurrences in the general population are insufficient to allow any conclusion about variant significance. c.128A>C has been reported in the literature in an individual affected with Mitochondrial DNA Depletion Syndrome 1 (MNGIE type), who fulfilled the clinical criteria for the disease, and had undetectable thymidine phosphorylase (TP) activity with elevated plasma thymidine levels (Hirano_2004). To our knowledge, no experimental evidence demonstrating an impact on protein function has been reported. However, a neighboring missense change (p.R44Q) has also been reported in affected individual(s) (HGMD), indicating a functional importance for this protein region. The following publications have been ascertained in the context of this evaluation (PMID: 14720311, 17549623, 19748572). Two submitters have provided clinical-significance assessments for this variant in ClinVar after 2014, and classified the variant as pathogenic / likely pathogenic. Based on the evidence outlined above, the variant was classified as VUS-possibly pathogenic.

GeneReviews
Classification: Pathogenic for Mitochondrial DNA depletion syndrome 1. Last evaluated: 2016-01-14. Review status: no assertion criteria provided. Collection method: literature only. Allele origin: germline. Affected: yes. Not counted in ClinVar's aggregate classification.

Literature cited by the submitters: PubMed 14720311 (cited by 4 submitters); PubMed 17549623 (cited by Women's Health and Genetics/Laboratory Corporation of America, LabCorp); PubMed 19748572 (cited by Women's Health and Genetics/Laboratory Corporation of America, LabCorp).